The following is an entry in ClinVar:

ClinVar aggregate classification (germline): Uncertain significance (1 of 4 stars; one submission).

Conditions:
Hereditary pheochromocytoma and paraganglioma. Also called: Hereditary pheochromocytoma-paraganglioma; Hereditary Paraganglioma-Pheochromocytoma Syndromes; Hereditary paragangliomas and pheochromocytomas. Identifiers: Orphanet 29072, MedGen C4274332, MONDO:0017366.

Allele frequency attached by ClinVar (database versions not stated): gnomAD exomes below 0.00001.
gnomAD v4.1: 1 of 1,613,892 alleles (0.000062%); highest among the groups gnomAD compares: South Asian, 0.0011%; no homozygotes.

Submission:

Labcorp Genetics (formerly Invitae), Labcorp
Classification: Uncertain significance for Hereditary pheochromocytoma and paraganglioma. Last evaluated: 2020-10-11. Review status: criteria provided, single submitter. Criteria: Invitae Variant Classification Sherloc (09022015). Collection method: clinical testing. Allele origin: germline.
Comment: In summary, the available evidence is currently insufficient to determine the role of this variant in disease. Therefore, it has been classified as a Variant of Uncertain Significance. Algorithms developed to predict the effect of missense changes on protein structure and function are either unavailable or do not agree on the potential impact of this missense change (SIFT: "Deleterious"; PolyPhen-2: "Benign"; Align-GVGD: "Class C55"). This variant has not been reported in the literature in individuals with TMEM127-related conditions. This variant is not present in population databases (ExAC no frequency). This sequence change replaces threonine with serine at codon 201 of the TMEM127 protein (p.Thr201Ser). The threonine residue is highly conserved and there is a small physicochemical difference between threonine and serine.

NM_017849.4(TMEM127):c.601A>T (p.Thr201Ser)

Gene: TMEM127 (transmembrane protein 127; minus strand). Cytogenetic location: 2q11.2.
Variant type: single nucleotide variant.
Coding change: c.601A>T on transcript NM_017849.4 (MANE Select); coding-DNA position 601, A replaced by T.
Protein change: p.Thr201Ser; replaces threonine 201 with serine.
Molecular consequence: missense variant.
Genome position (GRCh38, 1-based): chr2:96,253,924, T>A on the plus strand (A>T on the coding strand, the complement: TMEM127 is on the minus strand). VCF-style: chr2-96253924-T-A. GRCh37 (hg19) VCF-style: chr2-96919662-T-A.
Other names: c.601A>T, p.Thr201Ser (NM_001193304.3); short protein forms T201S.
Identifiers: ClinVar variation 1023949 (VCV001023949.8), dbSNP rs1684144587, ClinGen allele CA347652033.